The following is an entry in ClinVar:

ClinVar aggregate classification (germline): Uncertain significance (1 of 4 stars; one submission).

Conditions:
Usher syndrome type 3B. Also called: USHER SYNDROME, TYPE IIIB. Identifiers: MedGen C3281066, MONDO:0013788, OMIM 614504.

Submission:

Labcorp Genetics (formerly Invitae), Labcorp
Classification: Uncertain significance for Usher syndrome type 3B. Last evaluated: 2019-07-07. Review status: criteria provided, single submitter. Criteria: Invitae Variant Classification Sherloc (09022015). Collection method: clinical testing. Allele origin: germline.
Comment: In summary, the available evidence is currently insufficient to determine the role of this variant in disease. Therefore, it has been classified as a Variant of Uncertain Significance. This variant has not been reported in the literature in individuals with HARS-related conditions. This variant is not present in population databases (ExAC no frequency). This sequence change affects the initiator methionine of the HARS mRNA. The next in-frame methionine is located at codon 70.

NM_002109.6(HARS1):c.2T>C (p.Met1Thr)

Genes: HARS1 (histidyl-tRNA synthetase 1; minus strand), LOC129994848 (ATAC-STARR-seq lymphoblastoid active region 23285; plus strand). Cytogenetic location: 5q31.3.
Variant type: single nucleotide variant.
Coding change: c.2T>C on transcript NM_002109.6 (MANE Select); coding-DNA position 2, T replaced by C.
Protein change: p.Met1Thr; changes the start codon (methionine 1).
Molecular consequence: missense variant, initiator codon variant.
Genome position (GRCh38, 1-based): chr5:140,691,303, A>G on the plus strand (T>C on the coding strand, the complement: HARS1 is on the minus strand). VCF-style: chr5-140691303-A-G. GRCh37 (hg19) VCF-style: chr5-140070888-A-G.
Other names: c.2T>C, p.Met1Thr (NM_001258040.3, NM_001258041.3, NM_001258042.3 and 3 more transcripts); short protein forms M1T.
Identifiers: ClinVar variation 944543 (VCV000944543.10), dbSNP rs1759420438, ClinGen allele CA361191925.
Genomic context (GRCh38, chr5:140,691,303, plus strand): 5'-AGGCCTCGCACGCGCTCTCCCTGAAGTTTCACCAGCTCCTCCAGCGCCGCACGCTCTGCC[A>G]TCCCGGCTGTCCACTTGAGCCGCCTGCTGTCTCGACCTGCGGTGGTTGCCCCAGCCTCAG-3'
Protein context (NP_002100.2, residues 1-11): [Met1Thr]AERAALEELV